The following is an entry in ClinVar:

ClinVar aggregate classification (germline): Likely benign. Review status: criteria provided, multiple submitters, no conflicts (2 of 4 stars). 3 submissions from 3 submitters: Likely benign (2). 1 of the submissions does not count toward it. Last evaluated 2025-07-14.

Conditions:
Galactosylceramide beta-galactosidase deficiency. Also called: Leukodystrophy, Globoid Cell; GALACTOCEREBROSIDASE DEFICIENCY; GALC DEFICIENCY; GLOBOID CELL LEUKOENCEPHALOPATHY; Krabbe Disease. Identifiers: Orphanet 487, MedGen C0023521, MONDO:0009499, OMIM 245200.

Allele frequency attached by ClinVar (database versions not stated): gnomAD 0.00001 and 0.00003; TOPMed 0.00001; ExAC 0.00002; gnomAD exomes 0.00002.
gnomAD v4.1: 40 of 1,611,206 alleles (0.0025%); highest among the groups gnomAD compares: South Asian, 0.02%; no homozygotes.

Submissions (3):

Labcorp Genetics (formerly Invitae), Labcorp
Classification: Likely benign for Galactosylceramide beta-galactosidase deficiency. Last evaluated: 2025-07-14. Review status: criteria provided, single submitter. Criteria: Invitae Variant Classification Sherloc (09022015). Collection method: clinical testing. Allele origin: germline.

CeGaT Center for Human Genetics Tuebingen
Classification: Likely benign. Last evaluated: 2023-06-01. Review status: criteria provided, single submitter. Criteria: CeGaT Center For Human Genetics Tuebingen Variant Classification Criteria Version 2. Collection method: clinical testing. Allele origin: germline. Affected: yes. Observed: 1 variant allele.
Comment: GALC: BP4, BP7

Natera, Inc.
Classification: Uncertain significance for Galactosylceramide beta-galactosidase deficiency. Last evaluated: 2020-02-21. Review status: no assertion criteria provided. Collection method: clinical testing. Allele origin: germline. Not counted in ClinVar's aggregate classification.

NM_000153.4(GALC):c.1572C>T (p.Gly524=)

Gene: GALC (galactosylceramidase; minus strand). Cytogenetic location: 14q31.3.
Variant type: single nucleotide variant.
Coding change: c.1572C>T on transcript NM_000153.4 (MANE Select); coding-DNA position 1572, C replaced by T.
Protein change: p.Gly524=; no amino-acid change (glycine 524 retained).
Molecular consequence: synonymous variant.
Genome position (GRCh38, 1-based): chr14:87,945,651, G>A on the plus strand (C>T on the coding strand, the complement: GALC is on the minus strand). VCF-style: chr14-87945651-G-A. GRCh37 (hg19) VCF-style: chr14-88411995-G-A.
Other names: c.1503C>T, p.Gly501= (NM_001201401.2); c.1494C>T, p.Gly498= (NM_001201402.2).
Identifiers: ClinVar variation 949256 (VCV000949256.36), dbSNP rs753164684, ClinGen allele CA7296980.